The following is an entry in ClinVar:

ClinVar aggregate classification (germline): Pathogenic. Review status: reviewed by expert panel (3 of 4 stars). 5 submissions from 4 submitters: Pathogenic (1). 4 of the submissions do not count toward it. Last evaluated 2025-01-31.

Conditions:
Leber congenital amaurosis 1 (LCA1). Also called: RETINAL BLINDNESS, CONGENITAL; Congenital absence of the rods and cones; Leber's congenital tapetoretinal degeneration; Leber's congenital tapetoretinal dysplasia; AMAUROSIS CONGENITA OF LEBER I. Identifiers: Orphanet 65, MedGen C2931258, MONDO:0008764, OMIM 204000.
GUCY2D-related recessive retinopathy. Also called: Recessive GUCY2D retinopathy. Identifiers: MedGen CN305603, MONDO:0100453.
GUCY2D-related disorder. Also called: GUCY2D-related condition.
Cone-rod dystrophy 6 (CORD6). Also called: RETINAL CONE DYSTROPHY 2; Cone dystrophy progressive. Identifiers: Orphanet 1872, MedGen C1866293, MONDO:0011143, OMIM 601777.
Night blindness, congenital stationary, type1i. Also called: NIGHT BLINDNESS, CONGENITAL STATIONARY, TYPE 1I. Identifiers: MedGen C5231408, MONDO:0032811, OMIM 618555.

Allele frequency attached by ClinVar (database versions not stated): gnomAD exomes below 0.00001; gnomAD 0.00001; TOPMed 0.00001.
gnomAD v4.1: 4 of 1,613,362 alleles (0.00025%); highest among the groups gnomAD compares: Non-Finnish European, 0.00034%; no homozygotes.

Submissions (5):

ClinGen Leber Congenital Amaurosis/early Onset Retinal Dystrophy Variant Curation Expert Panel, ClinGen
Classification: Pathogenic for GUCY2D-related recessive retinopathy. Last evaluated: 2025-01-31. Review status: reviewed by expert panel. Criteria: ClinGen LCAeoRD ACMG Specifications GUCY2D V1.0.0. Collection method: curation. Allele origin: germline. Inheritance: Autosomal recessive inheritance.
Comment: NM_000180.4(GUCY2D):c.1633C>T (p.Gln545Ter) is a nonsense variant that introduces a premature stop codon into exon 7 of 20, and is predicted to lead to nonsense-mediated decay in a gene in which loss-of-function is an established mechanism of disease (PVS1). This variant is present in gnomAD v.4.1.0 at a total allele frequency of 0.000002479, with 4 alleles /1613362 total alleles, which is lower than the ClinGen LCA/eoRD VCEP PM2_Supporting threshold of <0.0004 (PM2_Supporting). At least one proband harboring this variant exhibits a phenotype including diagnosis of Leber congenital amaurosis (0.5 pts), nystagmus (1 pt), visual impairment (1 pt) noted in the first year of life (1 pt), nondetectable ERG responses from rods (0.5 pts) and cones (1 pt), and high hypermetropia, which together are specific for GUCY2D-related recessive retinopathy (5 pts total, PMID: 29178642, PP4). In summary, this variant meets the criteria to be classified as pathogenic for GUCY2D-related recessive retinopathy based on the ACMG/AMP criteria applied, as specified by the ClinGen LCA / eoRD VCEP: PVS1, PM2_Supporting, and PP4. (VCEP specifications version 1.0.0; date of approval 01/22/2025).

Labcorp Genetics (formerly Invitae), Labcorp
Classification: Pathogenic for Leber congenital amaurosis 1; Cone-rod dystrophy 6. Last evaluated: 2022-11-20. Review status: criteria provided, single submitter. Criteria: Invitae Variant Classification Sherloc (09022015). Collection method: clinical testing. Allele origin: germline. Not counted in ClinVar's aggregate classification.
Comment: This variant is not present in population databases (gnomAD no frequency). For these reasons, this variant has been classified as Pathogenic. ClinVar contains an entry for this variant (Variation ID: 689384). This premature translational stop signal has been observed in individual(s) with Leber congenital amaurosis and congenital night blindnes (PMID: 17964524, 29559409). This sequence change creates a premature translational stop signal (p.Gln545*) in the GUCY2D gene. It is expected to result in an absent or disrupted protein product. Loss-of-function variants in GUCY2D are known to be pathogenic (PMID: 10951519, 11328726).

PreventionGenetics, part of Exact Sciences
Classification: Pathogenic for GUCY2D-related condition. Last evaluated: 2024-04-22. Review status: no assertion criteria provided. Collection method: clinical testing. Allele origin: germline. Not counted in ClinVar's aggregate classification.
Comment: The GUCY2D c.1633C>T variant is predicted to result in premature protein termination (p.Gln545*). This variant has been reported along with a second GUCY2D variant in individuals with Leber congenital amaurosis (Stone et al. 2007. PubMed ID: 17964524; Jacobson et al 2012. PubMed ID: 23035049; Stunkel et al. 2018. PubMed ID: 29559409). This variant has not been reported in a large population database, indicating this variant is rare. Nonsense variants in GUCY2D are expected to be pathogenic. Given the evidence, we interpret this variant as pathogenic.

OMIM
Classification: Pathogenic for LEBER CONGENITAL AMAUROSIS 1. Last evaluated: 2019-09-03. Review status: no assertion criteria provided. Collection method: literature only. Allele origin: germline. Not counted in ClinVar's aggregate classification.

OMIM
Classification: Pathogenic for NIGHT BLINDNESS, CONGENITAL STATIONARY, TYPE 1I. Last evaluated: 2019-09-03. Review status: no assertion criteria provided. Collection method: literature only. Allele origin: germline. Not counted in ClinVar's aggregate classification.

Literature cited by the submitters: PubMed 17964524 (cited by Labcorp Genetics (formerly Invitae), Labcorp); PubMed 29559409 (cited by Labcorp Genetics (formerly Invitae), Labcorp and OMIM); PubMed 10951519 (cited by Labcorp Genetics (formerly Invitae), Labcorp); PubMed 11328726 (cited by Labcorp Genetics (formerly Invitae), Labcorp); PubMed 23035049 (cited by OMIM); PubMed 29061346 (cited by OMIM).

NM_000180.4(GUCY2D):c.1633C>T (p.Gln545Ter)

Gene: GUCY2D (guanylate cyclase 2D, retinal; plus strand). Cytogenetic location: 17p13.1.
Variant type: single nucleotide variant.
Coding change: c.1633C>T on transcript NM_000180.4 (MANE Select); coding-DNA position 1633, C replaced by T.
Protein change: p.Gln545Ter; replaces glutamine 545 with a stop codon.
Molecular consequence: nonsense.
Genome position (GRCh38, 1-based): chr17:8,007,997, C>T. VCF-style: chr17-8007997-C-T. GRCh37 (hg19) VCF-style: chr17-7911315-C-T.
Other names: NM_000180.4(GUCY2D):c.1633C>T; p.Gln545Ter; short protein forms Q545*.
Identifiers: ClinVar variation 689384 (VCV000689384.5), dbSNP rs1290420698, ClinGen allele CA397949792.